The following is an entry in ClinVar:

NM_001291303.3(FAT4):c.947G>T (p.Arg316Leu)

Gene: FAT4 (FAT atypical cadherin 4; plus strand). Cytogenetic location: 4q28.1.
Variant type: single nucleotide variant.
Coding change: c.947G>T on transcript NM_001291303.3 (MANE Select); coding-DNA position 947, G replaced by T.
Protein change: p.Arg316Leu; replaces arginine 316 with leucine.
Molecular consequence: missense variant.
Genome position (GRCh38, 1-based): chr4:125,317,358, G>T. VCF-style: chr4-125317358-G-T. GRCh37 (hg19) VCF-style: chr4-126238513-G-T.
Other names: c.947G>T, p.Arg316Leu (NM_001291285.3, NM_024582.6); short protein forms R316L.
Identifiers: ClinVar variation 2008965 (VCV002008965.4), dbSNP rs2530424353, ClinGen allele CA358116871.

ClinVar aggregate classification (germline): Uncertain significance (1 of 4 stars; one submission).

gnomAD v4.1: 2 of 1,612,924 alleles (0.00012%); highest among the groups gnomAD compares: Non-Finnish European, 0.00017%; no homozygotes.

Submission:

Labcorp Genetics (formerly Invitae), Labcorp
Classification: Uncertain significance. Last evaluated: 2022-09-14. Review status: criteria provided, single submitter. Criteria: Invitae Variant Classification Sherloc (09022015). Collection method: clinical testing. Allele origin: germline.
Comment: In summary, the available evidence is currently insufficient to determine the role of this variant in disease. Therefore, it has been classified as a Variant of Uncertain Significance. Advanced modeling of protein sequence and biophysical properties (such as structural, functional, and spatial information, amino acid conservation, physicochemical variation, residue mobility, and thermodynamic stability) performed at Invitae indicates that this missense variant is not expected to disrupt FAT4 protein function. This variant has not been reported in the literature in individuals affected with FAT4-related conditions. This variant is not present in population databases (gnomAD no frequency). This sequence change replaces arginine, which is basic and polar, with leucine, which is neutral and non-polar, at codon 316 of the FAT4 protein (p.Arg316Leu).